The following is an entry in ClinVar:

NM_024675.4(PALB2):c.2491C>G (p.Leu831Val)

Gene: PALB2 (partner and localizer of BRCA2; minus strand). Cytogenetic location: 16p12.2.
Variant type: single nucleotide variant.
Coding change: c.2491C>G on transcript NM_024675.4 (MANE Select); coding-DNA position 2491, C replaced by G.
Protein change: p.Leu831Val; replaces leucine 831 with valine.
Molecular consequence: missense variant.
Genome position (GRCh38, 1-based): chr16:23,629,663, G>C on the plus strand (C>G on the coding strand, the complement: PALB2 is on the minus strand). VCF-style: chr16-23629663-G-C. GRCh37 (hg19) VCF-style: chr16-23640984-G-C.
Other names: short protein forms L831V.
Identifiers: ClinVar variation 1402719 (VCV001402719.11), dbSNP rs2142371841, ClinGen allele CA395123998.

ClinVar aggregate classification (germline): Uncertain significance. Review status: criteria provided, multiple submitters, no conflicts (2 of 4 stars). 2 submissions from 2 submitters: Uncertain significance (2). Last evaluated 2025-04-19.

Conditions:
Familial cancer of breast. Also called: hereditary breast carcinoma; BREAST CANCER, FAMILIAL; Hereditary breast cancer. Identifiers: Orphanet 227535, MedGen C0346153, MONDO:0016419, OMIM 114480. Disease mechanism: loss of function.
Hereditary cancer-predisposing syndrome. Also called: Hereditary neoplastic syndrome; Hereditary Cancer Syndrome; Neoplastic Syndromes, Hereditary; Tumor predisposition. Identifiers: Orphanet 140162, MedGen C0027672, MeSH D009386, MONDO:0015356.

Submissions (2):

Ambry Genetics
Classification: Uncertain significance for Hereditary cancer-predisposing syndrome. Last evaluated: 2025-04-19. Review status: criteria provided, single submitter. Criteria: Ambry Variant Classification Scheme 2023. Collection method: clinical testing. Allele origin: germline.
Comment: The p.L831V variant (also known as c.2491C>G), located in coding exon 5 of the PALB2 gene, results from a C to G substitution at nucleotide position 2491. The leucine at codon 831 is replaced by valine, an amino acid with highly similar properties. This amino acid position is not well conserved in available vertebrate species. In addition, this alteration is predicted to be tolerated by in silico analysis. Since supporting evidence is limited at this time, the clinical significance of this alteration remains unclear.

Labcorp Genetics (formerly Invitae), Labcorp
Classification: Uncertain significance for Familial cancer of breast. Last evaluated: 2022-02-18. Review status: criteria provided, single submitter. Criteria: Invitae Variant Classification Sherloc (09022015). Collection method: clinical testing. Allele origin: germline.
Comment: In summary, the available evidence is currently insufficient to determine the role of this variant in disease. Therefore, it has been classified as a Variant of Uncertain Significance. Algorithms developed to predict the effect of sequence changes on RNA splicing suggest that this variant may create or strengthen a splice site. Algorithms developed to predict the effect of missense changes on protein structure and function are either unavailable or do not agree on the potential impact of this missense change (SIFT: "Tolerated"; PolyPhen-2: "Possibly Damaging"; Align-GVGD: "Class C0"). This variant has not been reported in the literature in individuals affected with PALB2-related conditions. This variant is not present in population databases (gnomAD no frequency). This sequence change replaces leucine, which is neutral and non-polar, with valine, which is neutral and non-polar, at codon 831 of the PALB2 protein (p.Leu831Val).